The following is an entry in ClinVar:

NM_001197104.2(KMT2A):c.8019_8036del (p.Asp2673_Asp2678del)

Gene: KMT2A (lysine methyltransferase 2A; plus strand). Cytogenetic location: 11q23.3.
Variant type: Deletion.
Coding change: c.8019_8036del on transcript NM_001197104.2 (MANE Select); coding-DNA positions 8019 to 8036, 18 bases deleted (CTTAAGCACTTCAGATGA).
Protein change: p.Asp2673_Asp2678del.
Molecular consequence: inframe deletion.
Genome position (GRCh38, 1-based): chr11:118,503,911-118,503,928, CTTAAGCACTTCAGATGA deleted; deleting any 18 consecutive bases within chr11:118,503,906-118,503,928 gives the same sequence; the c. name uses the placement nearest the transcript's 3' end. VCF-style (leftmost placement, unchanged base first): chr11-118503905-CGATGACTTAAGCACTTCA-C. GRCh37 (hg19) VCF-style: chr11-118374620-CGATGACTTAAGCACTTCA-C.
Other names: c.8010_8027del, p.Asp2670_Asp2675del (NM_005933.4).
Identifiers: ClinVar variation 1351173 (VCV001351173.6), dbSNP rs2134395941, ClinGen allele CA2573146942.

ClinVar aggregate classification (germline): Uncertain significance (1 of 4 stars; one submission).

Submission:

Labcorp Genetics (formerly Invitae), Labcorp
Classification: Uncertain significance. Last evaluated: 2021-09-15. Review status: criteria provided, single submitter. Criteria: Invitae Variant Classification Sherloc (09022015). Collection method: clinical testing. Allele origin: germline.
Comment: In summary, the available evidence is currently insufficient to determine the role of this variant in disease. Therefore, it has been classified as a Variant of Uncertain Significance. Experimental studies and prediction algorithms are not available or were not evaluated, and the functional significance of this variant is currently unknown. This variant has not been reported in the literature in individuals affected with KMT2A-related conditions. This variant is not present in population databases (ExAC no frequency). This variant, c.8019_8036del, results in the deletion of 6 amino acid(s) of the KMT2A protein (p.Asp2673_Asp2678del), but otherwise preserves the integrity of the reading frame.